The following is an entry in ClinVar:

NM_002087.4(GRN):c.1735C>T (p.Arg579Cys)

Gene: GRN (granulin precursor; plus strand). Cytogenetic location: 17q21.31.
Variant type: single nucleotide variant.
Coding change: c.1735C>T on transcript NM_002087.4 (MANE Select); coding-DNA position 1735, C replaced by T.
Protein change: p.Arg579Cys; replaces arginine 579 with cysteine.
Molecular consequence: missense variant.
Genome position (GRCh38, 1-based): chr17:44,352,751, C>T. VCF-style: chr17-44352751-C-T. GRCh37 (hg19) VCF-style: chr17-42430119-C-T.
Other names: short protein forms R579C.
Identifiers: ClinVar variation 1429250 (VCV001429250.9), dbSNP rs748764855, ClinGen allele CA8602289.

ClinVar aggregate classification (germline): Uncertain significance. Review status: criteria provided, multiple submitters, no conflicts (2 of 4 stars). 2 submissions from 2 submitters: Uncertain significance (2). Last evaluated 2023-06-23.

Conditions:
Neuronal ceroid lipofuscinosis 11. Also called: GRN-Related Neuronal Ceroid-Lipofuscinosis. Identifiers: Orphanet 314629, Orphanet 79262, MedGen C3539123, MONDO:0013866, OMIM 614706.
GRN-related frontotemporal lobar degeneration with Tdp43 inclusions (FTD2). Also called: DEMENTIA, HEREDITARY DYSPHASIC DISINHIBITION; FRONTOTEMPORAL LOBAR DEGENERATION WITH UBIQUITIN-POSITIVE INCLUSIONS; FTLD-TDP, GRN-RELATED; GRN Frontotemporal Dementia; FRONTOTEMPORAL DEMENTIA WITH TDP43 INCLUSIONS, GRN-RELATED. Identifiers: Orphanet 100070, Orphanet 282, MedGen C1843792, MONDO:0011842, OMIM 607485. Disease mechanism: loss of function.
Primary progressive aphasia. Identifiers: Orphanet 95432, MedGen C0282513, MONDO:0019806.

Allele frequency attached by ClinVar (database versions not stated): gnomAD 0.00001; gnomAD exomes 0.00001; ExAC 0.00003.

Submissions (2):

Labcorp Genetics (formerly Invitae), Labcorp
Classification: Uncertain significance for Neuronal ceroid lipofuscinosis 11; GRN-related frontotemporal lobar degeneration with Tdp43 inclusions. Last evaluated: 2023-06-23. Review status: criteria provided, single submitter. Criteria: Invitae Variant Classification Sherloc (09022015). Collection method: clinical testing. Allele origin: germline.
Comment: An algorithm developed to predict the effect of missense changes on protein structure and function (PolyPhen-2) suggests that this variant is likely to be tolerated. This sequence change replaces arginine, which is basic and polar, with cysteine, which is neutral and slightly polar, at codon 579 of the GRN protein (p.Arg579Cys). This variant is present in population databases (rs748764855, gnomAD 0.003%). This variant has not been reported in the literature in individuals affected with GRN-related conditions. ClinVar contains an entry for this variant (Variation ID: 1429250). In summary, the available evidence is currently insufficient to determine the role of this variant in disease. Therefore, it has been classified as a Variant of Uncertain Significance.

Molecular Genetics, Royal Melbourne Hospital
Classification: Uncertain significance for Primary progressive aphasia. Last evaluated: 2023-06-06. Review status: criteria provided, single submitter. Criteria: ACMG Guidelines, 2015. Collection method: clinical testing. Allele origin: germline. Affected: yes.
Comment: This sequence change in GRN is predicted to replace arginine with cysteine at codon 579, p.(Arg579Cys). The arginine residue is moderately conserved (100 vertebrates, UCSC). There is a large (>100) physicochemical difference between arginine and cysteine. The highest population minor allele frequency in the population database gnomAD v2.1 is 0.003% (1/30,612 alleles) in the South Asian population, which is consistent with GRN-related frontotemporal dementia. To our knowledge, this variant has not been previously reported in GRN-related frontotemporal dementia. Computational evidence predicts a benign effect for the missense substitution (REVEL = 0.234). Based on the classification scheme RMH Modified ACMG/AMP Guidelines v1.6.1, this variant is classified as a VARIANT OF UNCERTAIN SIGNIFICANCE. Following criteria are met: PM2_Supporting, BP4